The following is an entry in ClinVar:

ClinVar aggregate classification (germline): Uncertain significance (1 of 4 stars; one submission).

Allele frequency attached by ClinVar (database versions not stated): gnomAD exomes below 0.00001; ExAC 0.00001.
gnomAD v4.1: 1 of 1,613,424 alleles (0.000062%); no homozygotes.

Submission:

GeneDx
Classification: Uncertain significance. Last evaluated: 2024-02-14. Review status: criteria provided, single submitter. Criteria: GeneDx Variant Classification Process June 2021. Collection method: clinical testing. Allele origin: germline. Affected: yes.
Comment: Has not been previously published as pathogenic or benign to our knowledge; In silico analysis, which includes protein predictors and evolutionary conservation, supports a deleterious effect

NM_001385012.1(NBEA):c.7166T>A (p.Leu2389His)

Gene: NBEA (neurobeachin; plus strand). Cytogenetic location: 13q13.3.
Variant type: single nucleotide variant.
Coding change: c.7166T>A on transcript NM_001385012.1 (MANE Select); coding-DNA position 7166, T replaced by A.
Protein change: p.Leu2389His; replaces leucine 2389 with histidine.
Molecular consequence: missense variant.
Genome position (GRCh38, 1-based): chr13:35,584,028, T>A. VCF-style: chr13-35584028-T-A. GRCh37 (hg19) VCF-style: chr13-36158165-T-A.
Other names: c.545T>A, p.Leu182His (NM_001204197.3); c.7157T>A, p.Leu2386His (NM_001379245.1); c.7166T>A, p.Leu2389His (NM_015678.5); short protein forms L182H, L2386H, L2389H.
Identifiers: ClinVar variation 1316986 (VCV001316986.3), dbSNP rs767455064, ClinGen allele CA6947697.